The following is an entry in ClinVar:

NM_016148.5(SHANK1):c.134G>T (p.Ser45Ile)

Gene: SHANK1 (SH3 and multiple ankyrin repeat domains 1; minus strand). Cytogenetic location: 19q13.33.
Variant type: single nucleotide variant.
Coding change: c.134G>T on transcript NM_016148.5 (MANE Select); coding-DNA position 134, G replaced by T.
Protein change: p.Ser45Ile; replaces serine 45 with isoleucine.
Molecular consequence: missense variant.
Genome position (GRCh38, 1-based): chr19:50,716,786, C>A on the plus strand (G>T on the coding strand, the complement: SHANK1 is on the minus strand). VCF-style: chr19-50716786-C-A. GRCh37 (hg19) VCF-style: chr19-51220043-C-A.
Other names: short protein forms S45I.
Identifiers: ClinVar variation 2339843 (VCV002339843.3), dbSNP rs1243508395, ClinGen allele CA406998764.

ClinVar aggregate classification (germline): Uncertain significance (1 of 4 stars; one submission).

Conditions:
Inborn genetic diseases. Identifiers: MedGen C0950123, MeSH D030342.

Allele frequency attached by ClinVar (database versions not stated): gnomAD exomes below 0.00001.
gnomAD v4.1: 2 of 1,602,710 alleles (0.00012%); highest among the groups gnomAD compares: African/African-American, 0.0027%; no homozygotes.

Submission:

Ambry Genetics
Classification: Uncertain significance for Inborn genetic diseases. Last evaluated: 2023-02-10. Review status: criteria provided, single submitter. Criteria: Ambry Variant Classification Scheme 2023. Collection method: clinical testing. Allele origin: germline.
Comment: The c.134G>T (p.S45I) alteration is located in exon 1 (coding exon 1) of the SHANK1 gene. This alteration results from a G to T substitution at nucleotide position 134, causing the serine (S) at amino acid position 45 to be replaced by an isoleucine (I). This variant was not reported in population-based cohorts in the Genome Aggregation Database (gnomAD). This amino acid position is well conserved in available vertebrate species. This alteration is predicted to be tolerated by in silico analysis. Based on insufficient or conflicting evidence, the clinical significance of this alteration remains unclear.